The following is an entry in ClinVar:

ClinVar aggregate classification (germline): Uncertain significance. Review status: criteria provided, multiple submitters, no conflicts (2 of 4 stars). 2 submissions from 2 submitters: Uncertain significance (2). Last evaluated 2026-01-17.

Conditions:
Charcot-Marie-Tooth disease type 2. Also called: Charcot-Marie-Tooth type 2. Identifiers: Orphanet 64746, MedGen C0270914, MONDO:0018993.

Submissions (2):

Labcorp Genetics (formerly Invitae), Labcorp
Classification: Uncertain significance for Charcot-Marie-Tooth disease type 2. Last evaluated: 2026-01-17. Review status: criteria provided, single submitter. Criteria: Invitae Variant Classification Sherloc (09022015). Collection method: clinical testing. Allele origin: germline.
Comment: This sequence change replaces aspartic acid, which is acidic and polar, with tyrosine, which is neutral and polar, at codon 553 of the LMNA protein (p.Asp553Tyr). This variant is not present in population databases (gnomAD no frequency). This variant has not been reported in the literature in individuals affected with LMNA-related conditions. ClinVar contains an entry for this variant (Variation ID: 499720). Invitae Evidence Modeling of protein sequence and biophysical properties (such as structural, functional, and spatial information, amino acid conservation, physicochemical variation, residue mobility, and thermodynamic stability) indicates that this missense variant is expected to disrupt LMNA protein function with a positive predictive value of 95%. In summary, the available evidence is currently insufficient to determine the role of this variant in disease. Therefore, it has been classified as a Variant of Uncertain Significance.

Eurofins Ntd Llc (ga)
Classification: Uncertain significance. Last evaluated: 2018-02-22. Review status: criteria provided, single submitter. Criteria: EGL ClinVar v180209 classification definitions. Collection method: clinical testing. Allele origin: germline. Observed: 2 variant alleles, 2 heterozygotes.

NM_170707.4(LMNA):c.1657G>T (p.Asp553Tyr)

Gene: LMNA (lamin A/C; plus strand). Cytogenetic location: 1q22.
Variant type: single nucleotide variant.
Coding change: c.1657G>T on transcript NM_170707.4 (MANE Select); coding-DNA position 1657, G replaced by T.
Protein change: p.Asp553Tyr; replaces aspartic acid 553 with tyrosine.
Molecular consequence: missense variant. On other transcripts: intron variant (1).
Genome position (GRCh38, 1-based): chr1:156,137,702, G>T. VCF-style: chr1-156137702-G-T. GRCh37 (hg19) VCF-style: chr1-156107493-G-T.
Other names: c.1657G>T, p.Asp553Tyr (NM_001282626.2, NM_005572.4, NM_001282625.2); c.1608+470G>T (NM_170708.4); c.1321G>T, p.Asp441Tyr (NM_001257374.3); c.1414G>T, p.Asp472Tyr (NM_001282624.2); short protein forms D553Y, D441Y, D472Y.
Identifiers: ClinVar variation 499720 (VCV000499720.6), dbSNP rs373671419, ClinGen allele CA342825580.